The following is an entry in ClinVar:

NM_004082.5(DCTN1):c.597G>A (p.Pro199=)

Gene: DCTN1 (dynactin subunit 1; minus strand). Cytogenetic location: 2p13.1.
Variant type: single nucleotide variant.
Coding change: c.597G>A on transcript NM_004082.5 (MANE Select); coding-DNA position 597, G replaced by A.
Protein change: p.Pro199=; no amino-acid change (proline 199 retained).
Molecular consequence: synonymous variant. On other transcripts: non-coding transcript variant (1).
Genome position (GRCh38, 1-based): chr2:74,371,585, C>T on the plus strand (G>A on the coding strand, the complement: DCTN1 is on the minus strand). VCF-style: chr2-74371585-C-T. GRCh37 (hg19) VCF-style: chr2-74598712-C-T.
Other names: c.537G>A, p.Pro179= (NM_001135040.3); c.195G>A, p.Pro65= (NM_001135041.3, NM_023019.4); c.486G>A, p.Pro162= (NM_001190836.2); c.576G>A, p.Pro192= (NM_001190837.2); c.546G>A, p.Pro182= (NM_001378991.1); c.528G>A, p.Pro176= (NM_001378992.1).
Identifiers: ClinVar variation 705963 (VCV000705963.15), dbSNP rs143607419, ClinGen allele CA1722371.

ClinVar aggregate classification (germline): Benign/Likely benign. Review status: criteria provided, multiple submitters, no conflicts (2 of 4 stars). 4 submissions from 3 submitters: Benign (2); Likely benign (1). 1 of the submissions does not count toward it. Last evaluated 2025-07-26.

Conditions:
Neuronopathy, distal hereditary motor, type 7B. Also called: NEURONOPATHY, DISTAL HEREDITARY MOTOR, AUTOSOMAL DOMINANT 14; NEURONOPATHY, DISTAL HEREDITARY MOTOR, HARDING TYPE VIIB; NEUROPATHY, DISTAL HEREDITARY MOTOR, HARDING TYPE VIIB; NEUROPATHY, DISTAL HEREDITARY MOTOR, WITH VOCAL CORD PARALYSIS, HARDING TYPE VIIB; HMN VIIB; LOWER MOTOR NEURON DISEASE, DYNACTIN TYPE. Identifiers: Orphanet 139589, MedGen C1843315, MONDO:0011879, OMIM 607641.
Perry syndrome. Also called: PARKINSONISM WITH ALVEOLAR HYPOVENTILATION AND MENTAL DEPRESSION. Identifiers: Orphanet 178509, MedGen C1868594, MONDO:0008201, OMIM 168605.
DCTN1-related disorder. Also called: DCTN1-related condition.
Amyotrophic lateral sclerosis type 1 (ALS1). Also called: AMYOTROPHIC LATERAL SCLEROSIS 1, FAMILIAL. Identifiers: Orphanet 803, MedGen C1862939, MONDO:0007103, OMIM 105400.

Allele frequency attached by ClinVar (database versions not stated): gnomAD exomes 0.00005 and 0.00011; ExAC 0.00025; gnomAD 0.00028 and 0.00029; TOPMed 0.00033; ESP Exome Variant Server 0.00054.
gnomAD v4.1: 115 of 1,586,358 alleles (0.0072%); highest among the groups gnomAD compares: African/African-American, 0.086%; no homozygotes.

Submissions (4):

Labcorp Genetics (formerly Invitae), Labcorp
Classification: Likely benign for Amyotrophic lateral sclerosis type 1; Neuronopathy, distal hereditary motor, type 7B; Perry syndrome. Last evaluated: 2025-07-26. Review status: criteria provided, single submitter. Criteria: Invitae Variant Classification Sherloc (09022015). Collection method: clinical testing. Allele origin: germline.

Illumina Laboratory Services, Illumina
Classification: Benign for Perry syndrome. Last evaluated: 2018-01-12. Review status: criteria provided, single submitter. Criteria: ICSL Variant Classification Criteria 13 December 2019. Collection method: clinical testing. Allele origin: germline.
Comment: This variant was observed in the ICSL laboratory as part of a predisposition screen in an ostensibly healthy population. It had not been previously curated by ICSL or reported in the Human Gene Mutation Database (HGMD: prior to June 1st, 2018), and was therefore a candidate for classification through an automated scoring system. Utilizing variant allele frequency, disease prevalence and penetrance estimates, and inheritance mode, an automated score was calculated to assess if this variant is too frequent to cause the disease. Based on the score and internal cut-off values, a variant classified as benign is not then subjected to further curation. The score for this variant resulted in a classification of benign for this disease.

Illumina Laboratory Services, Illumina
Classification: Benign for Neuronopathy, distal hereditary motor, type 7B. Last evaluated: 2018-01-12. Review status: criteria provided, single submitter. Criteria: ICSL Variant Classification Criteria 13 December 2019. Collection method: clinical testing. Allele origin: germline.
Comment: the same text as in the submission from Illumina Laboratory Services, Illumina above.

PreventionGenetics, part of Exact Sciences
Classification: Likely benign for DCTN1-related condition. Last evaluated: 2024-09-16. Review status: no assertion criteria provided. Collection method: clinical testing. Allele origin: germline. Not counted in ClinVar's aggregate classification.
Comment: This variant is classified as likely benign based on ACMG/AMP sequence variant interpretation guidelines (Richards et al. 2015 PMID: 25741868, with internal and published modifications).